The following is an entry in ClinVar:

NM_007294.4(BRCA1):c.1971A>C (p.Gln657His)

Gene: BRCA1 (BRCA1 DNA repair associated; minus strand). Cytogenetic location: 17q21.31.
Variant type: single nucleotide variant.
Coding change: c.1971A>C on transcript NM_007294.4 (MANE Select); coding-DNA position 1971, A replaced by C.
Protein change: p.Gln657His; replaces glutamine 657 with histidine.
Molecular consequence: missense variant. On other transcripts: intron variant (137).
Genome position (GRCh38, 1-based): chr17:43,093,560, T>G on the plus strand (A>C on the coding strand, the complement: BRCA1 is on the minus strand). VCF-style: chr17-43093560-T-G. GRCh37 (hg19) VCF-style: chr17-41245577-T-G.
Other names: c.787+1184A>C (NM_001407979.1, NM_001407977.1, NM_001407982.1 and 19 more transcripts); c.1830A>C, p.Gln610His (NM_001407945.1, NM_001407692.1, NM_001407694.1 and 29 more transcripts); c.1638A>C, p.Gln546His (NM_001407947.1, NM_001407946.1, NM_001407948.1 and 6 more transcripts); c.646+1184A>C (NM_001408410.1, NM_001408459.1, NM_001408455.1 and 11 more transcripts); c.709+1184A>C (NM_001408415.1, NM_001408412.1, NM_001408409.1 and 2 more transcripts); c.577+1184A>C (NM_001408483.1, NM_001408481.1, NM_001408480.1 and 9 more transcripts); c.664+1184A>C (NM_001408442.1, NM_001408426.1, NM_001408444.1 and 12 more transcripts); c.1635A>C, p.Gln545His (NM_001407955.1, NM_001407954.1, NM_001407956.1 and 1 more transcripts); and 40 more; short protein forms Q545H, Q609H, Q610H, Q546H, Q569H, Q586H, Q529H, Q530H.
Identifiers: ClinVar variation 3634678 (VCV003634678.2).

ClinVar aggregate classification (germline): Uncertain significance (1 of 4 stars; one submission).

Conditions:
Hereditary breast ovarian cancer syndrome. Also called: Hereditary breast and ovarian cancer syndrome; Hereditary breast and ovarian cancer syndrome (HBOC); BRCA1- and BRCA2-Associated Hereditary Breast and Ovarian Cancer; Hereditary breast and ovarian cancer; Breast and ovarian cancer; Hereditary breast and/or ovarian cancer syndrome. Identifiers: Orphanet 145, MedGen C0677776, MeSH D061325, MONDO:0003582. Disease mechanism: loss of function.

Submission:

Labcorp Genetics (formerly Invitae), Labcorp
Classification: Uncertain significance for Hereditary breast ovarian cancer syndrome. Last evaluated: 2025-02-04. Review status: criteria provided, single submitter. Criteria: Invitae Variant Classification Sherloc (09022015). Collection method: clinical testing. Allele origin: germline.
Comment: This sequence change replaces glutamine, which is neutral and polar, with histidine, which is basic and polar, at codon 657 of the BRCA1 protein (p.Gln657His). This variant is not present in population databases (gnomAD no frequency). This variant has not been reported in the literature in individuals affected with BRCA1-related conditions. An algorithm developed to predict the effect of missense changes on protein structure and function outputs the following: PolyPhen-2: "Possibly Damaging". The histidine amino acid residue is found in multiple mammalian species, which suggests that this missense change does not adversely affect protein function. In summary, the available evidence is currently insufficient to determine the role of this variant in disease. Therefore, it has been classified as a Variant of Uncertain Significance.